The following is an entry in ClinVar:

ClinVar aggregate classification (germline): Uncertain significance. Review status: criteria provided, multiple submitters, no conflicts (2 of 4 stars). 4 submissions from 3 submitters: Uncertain significance (4). Last evaluated 2025-08-31.

Conditions:
Megacystis-microcolon-intestinal hypoperistalsis syndrome 1. Identifiers: MedGen C5542316, MONDO:0100354, OMIM 249210.
Aortic aneurysm, familial thoracic 7 (AAT7). Also called: AORTIC DISSECTION, FAMILIAL, WITH OR WITHOUT AORTIC ANEURYSM. Identifiers: MedGen C3151077, MONDO:0013418, OMIM 613780.
Familial thoracic aortic aneurysm and aortic dissection (TAAD). Also called: Thoracic aortic aneurysms and dissections. Identifiers: Orphanet 91387, MedGen C4707243, MONDO:0019625.

Allele frequency attached by ClinVar (database versions not stated): TOPMed 0.00002; ESP Exome Variant Server 0.00008.
gnomAD v4.1: 8 of 1,614,046 alleles (0.0005%); highest among the groups gnomAD compares: African/African-American, 0.008%; no homozygotes.

Submissions (4):

Labcorp Genetics (formerly Invitae), Labcorp
Classification: Uncertain significance for Aortic aneurysm, familial thoracic 7. Last evaluated: 2025-08-31. Review status: criteria provided, single submitter. Criteria: Invitae Variant Classification Sherloc (09022015). Collection method: clinical testing. Allele origin: germline.
Comment: This sequence change replaces threonine, which is neutral and polar, with arginine, which is basic and polar, at codon 1711 of the MYLK protein (p.Thr1711Arg). This variant is present in population databases (rs374662467, gnomAD 0.01%). This variant has not been reported in the literature in individuals affected with MYLK-related conditions. ClinVar contains an entry for this variant (Variation ID: 625981). Invitae Evidence Modeling of protein sequence and biophysical properties (such as structural, functional, and spatial information, amino acid conservation, physicochemical variation, residue mobility, and thermodynamic stability) indicates that this missense variant is not expected to disrupt MYLK protein function with a negative predictive value of 80%. In summary, the available evidence is currently insufficient to determine the role of this variant in disease. Therefore, it has been classified as a Variant of Uncertain Significance.

Ambry Genetics
Classification: Uncertain significance for Familial thoracic aortic aneurysm and aortic dissection. Last evaluated: 2019-11-14. Review status: criteria provided, single submitter. Criteria: Ambry Variant Classification Scheme 2023. Collection method: clinical testing. Allele origin: germline.
Comment: The p.T1711R variant (also known as c.5132C>G), located in coding exon 28 of the MYLK gene, results from a C to G substitution at nucleotide position 5132. The threonine at codon 1711 is replaced by arginine, an amino acid with similar properties. This amino acid position is well conserved in available vertebrate species. In addition, the in silico prediction for this alteration is inconclusive. Since supporting evidence is limited at this time, the clinical significance of this alteration remains unclear.

Center for Genomics, Ann and Robert H. Lurie Children's Hospital of Chicago
Classification: Uncertain significance for Aortic aneurysm, familial thoracic 7. Last evaluated: 2017-10-24. Review status: criteria provided, single submitter. Criteria: ACMG Guidelines, 2015. Collection method: clinical testing. Allele origin: germline.
Comment: MYLK NM_053025.3 exon 31 p.Thr1711Arg (c.5132C>G): This variant has not been reported in the literature but is present in 2/15302 African alleles in the Genome Aggregation Database. Evolutionary conservation and computational predictive tools for this variant are unclear. In summary, data on this variant is insufficient for disease classification. Therefore, the clinical significance of this variant is uncertain.

Center for Genomics, Ann and Robert H. Lurie Children's Hospital of Chicago
Classification: Uncertain significance for Megacystis-microcolon-intestinal hypoperistalsis syndrome 1; Aortic aneurysm, familial thoracic 7. Review status: criteria provided, single submitter. Criteria: ACMG Guidelines, 2015. Collection method: clinical testing. Allele origin: germline.
Comment: MYLK NM_053025 exon 31 p.Thr1711Arg (c.5132C>G): This variant has not been reported in the literature but is present in 2/15302 African alleles in the Genome Aggregation Database. Evolutionary conservation and computational predictive tools for this variant are unclear. In summary, data on this variant is insufficient for disease classification. Therefore, the clinical significance of this variant is uncertain.

NM_053025.4(MYLK):c.5132C>G (p.Thr1711Arg)

Genes: MYLK (myosin light chain kinase; minus strand), MYLK-AS1 (MYLK antisense RNA 1; plus strand). Cytogenetic location: 3q21.1.
Variant type: single nucleotide variant.
Coding change: c.5132C>G on transcript NM_053025.4 (MANE Select); coding-DNA position 5132, C replaced by G.
Protein change: p.Thr1711Arg; replaces threonine 1711 with arginine.
Molecular consequence: missense variant.
Genome position (GRCh38, 1-based): chr3:123,626,924, G>C on the plus strand (C>G on the coding strand, the complement: MYLK is on the minus strand). VCF-style: chr3-123626924-G-C. GRCh37 (hg19) VCF-style: chr3-123345771-G-C.
Other names: c.4604C>G, p.Thr1535Arg (NM_001321309.2); c.4925C>G, p.Thr1642Arg (NM_053026.4); c.4979C>G, p.Thr1660Arg (NM_053027.4); c.4772C>G, p.Thr1591Arg (NM_053028.4); short protein forms T1711R, T1591R, T1642R, T1660R, T1535R.
Identifiers: ClinVar variation 625981 (VCV000625981.8), dbSNP rs374662467, ClinGen allele CA072572.